The following is an entry in ClinVar:

ClinVar aggregate classification (germline): Uncertain significance (1 of 4 stars; one submission).

Conditions:
Hereditary pancreatitis (PCTT). Also called: Hereditary chronic pancreatitis; PRSS1-Related Hereditary Pancreatitis. Identifiers: Orphanet 676, MedGen C0238339, MONDO:0008185, OMIM 167800.

Allele frequency attached by ClinVar (database versions not stated): TOPMed below 0.00001.

Submission:

Ambry Genetics
Classification: Uncertain significance for Hereditary pancreatitis. Last evaluated: 2025-05-24. Review status: criteria provided, single submitter. Criteria: Ambry Variant Classification Scheme 2023. Collection method: clinical testing. Allele origin: germline.
Comment: The p.V290L variant (also known as c.868G>T), located in coding exon 8 of the CPA1 gene, results from a G to T substitution at nucleotide position 868. The valine at codon 290 is replaced by leucine, an amino acid with highly similar properties. This amino acid position is conserved. In addition, the in silico prediction for this alteration is inconclusive. Since supporting evidence is limited at this time, the clinical significance of this alteration remains unclear.

NM_001868.4(CPA1):c.868G>T (p.Val290Leu)

Gene: CPA1 (carboxypeptidase A1; plus strand). Cytogenetic location: 7q32.2.
Variant type: single nucleotide variant.
Coding change: c.868G>T on transcript NM_001868.4 (MANE Select); coding-DNA position 868, G replaced by T.
Protein change: p.Val290Leu; replaces valine 290 with leucine.
Molecular consequence: missense variant.
Genome position (GRCh38, 1-based): chr7:130,385,226, G>T. VCF-style: chr7-130385226-G-T. GRCh37 (hg19) VCF-style: chr7-130025067-G-T.
Other names: short protein forms V290L.
Identifiers: ClinVar variation 2561598 (VCV002561598.3), dbSNP rs1562968178, ClinGen allele CA369283522.